The following is an entry in ClinVar:

NM_001134363.3(RBM20):c.448G>A (p.Ala150Thr)

Gene: RBM20 (RNA binding motif protein 20; plus strand). Cytogenetic location: 10q25.2.
Variant type: single nucleotide variant.
Coding change: c.448G>A on transcript NM_001134363.3 (MANE Select); coding-DNA position 448, G replaced by A.
Protein change: p.Ala150Thr; replaces alanine 150 with threonine.
Molecular consequence: missense variant.
Genome position (GRCh38, 1-based): chr10:110,781,057, G>A. VCF-style: chr10-110781057-G-A. GRCh37 (hg19) VCF-style: chr10-112540815-G-A.
Other names: p.A150T:GCT>ACT; short protein forms A150T.
Identifiers: ClinVar variation 44018 (VCV000044018.61), dbSNP rs199868951, ClinGen allele CA133390.

ClinVar aggregate classification (germline): Conflicting classifications of pathogenicity. Review status: criteria provided, conflicting classifications (1 of 4 stars). 12 submissions from 12 submitters: Uncertain significance (2); Benign (6); Likely benign (3). 1 of the submissions does not count toward it. Last evaluated 2026-08-01.

Conditions:
RBM20-related disorder. Also called: RBM20-related condition.
Familial dilated cardiomyopathy and peripheral neuropathy.
Cardiovascular phenotype. Identifiers: MedGen CN230736.
Cardiomyopathy (CMYO). Also called: Cardiomyopathies. Identifiers: Orphanet 167848, MedGen C0878544, MONDO:0004994, HP:0001638. Inheritance: Various modes of inheritance.
Dilated cardiomyopathy 1DD (CMD1DD). Identifiers: Orphanet 154, MedGen C2750995, MONDO:0013168, OMIM 613172.

Allele frequency attached by ClinVar (database versions not stated): gnomAD exomes 0.00123 and 0.00043; gnomAD 0.00052 and 0.00055; ESP Exome Variant Server 0.00088; ExAC 0.00229; TOPMed 0.00051.
gnomAD v4.1: 737 of 1,551,758 alleles (0.047%); highest among the groups gnomAD compares: Admixed American, 0.012%; 7 homozygotes.

Submissions (12):

CeGaT Center for Human Genetics Tuebingen
Classification: Likely benign. Last evaluated: 2026-08-01. Review status: criteria provided, single submitter. Criteria: CeGaT Center For Human Genetics Tuebingen Variant Classification Criteria Version 2. Collection method: clinical testing. Allele origin: germline. Affected: yes. Observed: 30 variant alleles.
Comment: RBM20: BP4, BS1

Labcorp Genetics (formerly Invitae), Labcorp
Classification: Benign for Dilated cardiomyopathy 1DD. Last evaluated: 2026-02-03. Review status: criteria provided, single submitter. Criteria: Invitae Variant Classification Sherloc (09022015). Collection method: clinical testing. Allele origin: germline.

Blueprint Genetics
Classification: Likely benign. Last evaluated: 2024-10-24. Review status: criteria provided, single submitter. Criteria: ACMG Guidelines, 2015. Collection method: clinical testing. Allele origin: germline.

Women's Health and Genetics/Laboratory Corporation of America, LabCorp
Classification: Benign. Last evaluated: 2022-09-26. Review status: criteria provided, single submitter. Criteria: LabCorp Variant Classification Summary - May 2015. Collection method: clinical testing. Allele origin: germline.
Comment: Variant summary: RBM20 c.448G>A (p.Ala150Thr) results in a non-conservative amino acid change in the encoded protein sequence. Four of five in-silico tools predict a benign effect of the variant on protein function. The variant allele was found at a frequency of 0.0012 in 157176 control chromosomes in the gnomAD database, including one homozygote. The observed variant frequency is approximately 26 fold of the estimated maximal expected allele frequency for a pathogenic variant in RBM20 causing Dilated Cardiomyopathy phenotype (4.7e-05), strongly suggesting that the variant is benign. To our knowledge, no experimental evidence demonstrating its impact on protein function have been reported. Six ClinVar submitters (evaluation after 2014) cite the variant as uncertain significance (n=1) and benign (n=5). Based on the evidence outlined above, the variant was classified as benign.

CHEO Genetics Diagnostic Laboratory, Children's Hospital of Eastern Ontario
Classification: Benign for Cardiomyopathy. Last evaluated: 2021-04-23. Review status: criteria provided, single submitter. Criteria: ACMG Guidelines, 2015. Collection method: clinical testing. Allele origin: germline. Study: Canadian Open Genetics Repository.

Center for Advanced Laboratory Medicine, UC San Diego Health, University of California San Diego
Classification: Benign for Familial dilated cardiomyopathy and peripheral neuropathy. Last evaluated: 2019-06-03. Review status: criteria provided, single submitter. Criteria: ACMG Guidelines, 2015. Collection method: clinical testing. Allele origin: germline. Affected: yes. Observed: 1 variant allele.

GeneDx
Classification: Benign. Last evaluated: 2018-01-16. Review status: criteria provided, single submitter. Criteria: GeneDx Variant Classification (06012015). Collection method: clinical testing. Allele origin: germline. Affected: yes.
Comment: This variant is considered likely benign or benign based on one or more of the following criteria: it is a conservative change, it occurs at a poorly conserved position in the protein, it is predicted to be benign by multiple in silico algorithms, and/or has population frequency not consistent with disease.

Illumina Laboratory Services, Illumina
Classification: Uncertain significance for Dilated cardiomyopathy 1DD. Last evaluated: 2018-01-13. Review status: criteria provided, single submitter. Criteria: ICSL Variant Classification Criteria 13 December 2019. Collection method: clinical testing. Allele origin: germline.

Ambry Genetics
Classification: Benign for Cardiovascular phenotype. Last evaluated: 2016-10-19. Review status: criteria provided, single submitter. Criteria: Ambry Variant Classification Scheme 2023. Collection method: clinical testing. Allele origin: germline.

Stanford Center for Inherited Cardiovascular Disease, Stanford University
Classification: Uncertain significance. Last evaluated: 2013-01-26. Review status: criteria provided, single submitter. Criteria: ACMG Guidelines, 2015. Collection method: provider interpretation. Allele origin: germline.

Laboratory for Molecular Medicine, Mass General Brigham Personalized Medicine
Classification: Likely benign. Last evaluated: 2012-12-11. Review status: criteria provided, single submitter. Criteria: LMM Criteria. Collection method: clinical testing. Allele origin: germline. Observed: 5 variant alleles.
Comment: Ala150Thr in exon 2 of RBM20: This variant is not expected to have clinical sign ificance due to a lack of conservation across species, including mammals. Of not e, 14 mammals have a Threonine (Thr; this variant) at this position despite high nearby amino acid conservation. In addition, computational analyses (AlignGVGD, PolyPhen2, SIFT) do not suggest a high likelihood of impact to the protein. In addition, this variant has been identified in 3/3182 European American chromosom es from a broad population by the NHLBI Exome Sequencing Project (.).

PreventionGenetics, part of Exact Sciences
Classification: Benign for RBM20-related condition. Last evaluated: 2019-11-11. Review status: no assertion criteria provided. Collection method: clinical testing. Allele origin: germline. Not counted in ClinVar's aggregate classification.
Comment: This variant is classified as benign based on ACMG/AMP sequence variant interpretation guidelines (Richards et al. 2015 PMID: 25741868, with internal and published modifications).